The following is an entry in ClinVar:

NM_001807.6(CEL):c.1899G>C (p.Gly633=)

Gene: CEL (carboxyl ester lipase; plus strand). Cytogenetic location: 9q34.13.
Variant type: single nucleotide variant.
Coding change: c.1899G>C on transcript NM_001807.6 (MANE Select); coding-DNA position 1899, G replaced by C.
Protein change: p.Gly633=; no amino-acid change (glycine 633 retained).
Molecular consequence: synonymous variant.
Genome position (GRCh38, 1-based): chr9:133,071,401, G>C. VCF-style: chr9-133071401-G-C. GRCh37 (hg19) VCF-style: chr9-135946788-G-C.
Identifiers: ClinVar variation 2659675 (VCV002659675.24), dbSNP rs1262864117, ClinGen allele CA467814112.
Genomic context (GRCh38, chr9:133,071,401, plus strand): 5'-CCCCGTGCCGCCCACGGGTGACTCCGGGGCCCCCCCCGTGCCGCCCACGGGTGACTCCGG[G>C]GCCCCCCCCGTGCCGCCCACGGGTGACTCCGGGGCCCCCCCCGTGCCGCCCACGGGTGAC-3'
Protein context (NP_001798.3, residues 623-643): APPVPPTGDS[Gly633=]APPVPPTGDS

ClinVar aggregate classification (germline): Likely benign (1 of 4 stars; one submission).

Submission:

CeGaT Center for Human Genetics Tuebingen
Classification: Likely benign. Last evaluated: 2022-11-01. Review status: criteria provided, single submitter. Criteria: CeGaT Center For Human Genetics Tuebingen Variant Classification Criteria Version 2. Collection method: clinical testing. Allele origin: germline. Affected: yes. Observed: 2 variant alleles.
Comment: CEL: PM2:Supporting, BP4, BP7